The following is an entry in ClinVar:

ClinVar aggregate classification (germline): Pathogenic (1 of 4 stars; one submission).

gnomAD v4.1: 7 of 1,614,034 alleles (0.00043%); highest among the groups gnomAD compares: African/African-American, 0.004%; no homozygotes.

Submission:

Labcorp Genetics (formerly Invitae), Labcorp
Classification: Pathogenic. Last evaluated: 2024-07-16. Review status: criteria provided, single submitter. Criteria: Invitae Variant Classification Sherloc (09022015). Collection method: clinical testing. Allele origin: germline.
Comment: This sequence change replaces arginine, which is basic and polar, with tryptophan, which is neutral and slightly polar, at codon 195 of the AQP1 protein (p.Arg195Trp). This variant is present in population databases (no rsID available, gnomAD 0.01%). This missense change has been observed in individuals with pulmonary arterial hypertension (PMID: 29650961). Advanced modeling of protein sequence and biophysical properties (such as structural, functional, and spatial information, amino acid conservation, physicochemical variation, residue mobility, and thermodynamic stability) performed at Invitae indicates that this missense variant is expected to disrupt AQP1 protein function with a positive predictive value of 80%. For these reasons, this variant has been classified as Pathogenic.

Literature cited by the submitters: PubMed 29650961.

NM_198098.4(AQP1):c.583C>T (p.Arg195Trp)

Gene: AQP1 (aquaporin 1 (Colton blood group); plus strand). Cytogenetic location: 7p14.3.
Variant type: single nucleotide variant.
Coding change: c.583C>T on transcript NM_198098.4 (MANE Select); coding-DNA position 583, C replaced by T.
Protein change: p.Arg195Trp; replaces arginine 195 with tryptophan.
Molecular consequence: missense variant.
Genome position (GRCh38, 1-based): chr7:30,922,597, C>T. VCF-style: chr7-30922597-C-T. GRCh37 (hg19) VCF-style: chr7-30962212-C-T.
Other names: c.583C>T, p.Arg195Trp (NM_001329872.2); short protein forms R195W.
Identifiers: ClinVar variation 3704391 (VCV003704391.2).